The following is an entry in ClinVar:

NM_004656.4(BAP1):c.2177C>T (p.Ala726Val)

Gene: BAP1 (BRCA1 associated deubiquitinase 1; minus strand). Cytogenetic location: 3p21.1.
Variant type: single nucleotide variant.
Coding change: c.2177C>T on transcript NM_004656.4 (MANE Select); coding-DNA position 2177, C replaced by T.
Protein change: p.Ala726Val; replaces alanine 726 with valine.
Molecular consequence: missense variant.
Genome position (GRCh38, 1-based): chr3:52,402,301, G>A on the plus strand (C>T on the coding strand, the complement: BAP1 is on the minus strand). VCF-style: chr3-52402301-G-A. GRCh37 (hg19) VCF-style: chr3-52436317-G-A.
Other names: c.2123C>T, p.Ala708Val (NM_001410772.1); short protein forms A708V, A726V.
Identifiers: ClinVar variation 2875899 (VCV002875899.4), dbSNP rs2471318319, ClinGen allele CA353093900.

ClinVar aggregate classification (germline): Uncertain significance. Review status: criteria provided, multiple submitters, no conflicts (2 of 4 stars). 2 submissions from 2 submitters: Uncertain significance (2). Last evaluated 2025-02-04.

Conditions:
Hereditary cancer-predisposing syndrome. Also called: Neoplastic Syndromes, Hereditary; Hereditary Cancer Syndrome; Hereditary neoplastic syndrome; Tumor predisposition. Identifiers: Orphanet 140162, MedGen C0027672, MeSH D009386, MONDO:0015356.
BAP1-related tumor predisposition syndrome (TPDS1). Also called: BAP1 tumor predisposition syndrome; Tumor susceptibility linked to germline BAP1 mutations; TUMOR PREDISPOSITION SYNDROME 1; COMMON Syndrome. Identifiers: Orphanet 289539, MedGen C3280492, MONDO:0013692, OMIM 614327.

Allele frequency attached by ClinVar (database versions not stated): gnomAD exomes below 0.00001.
gnomAD v4.1: 1 of 1,600,126 alleles (0.000062%); highest among the groups gnomAD compares: Non-Finnish European, 0.000085%; no homozygotes.

Submissions (2):

Ambry Genetics
Classification: Uncertain significance for Hereditary cancer-predisposing syndrome. Last evaluated: 2025-02-04. Review status: criteria provided, single submitter. Criteria: Ambry Variant Classification Scheme 2023. Collection method: clinical testing. Allele origin: germline.
Comment: The p.A726V variant (also known as c.2177C>T), located in coding exon 17 of the BAP1 gene, results from a C to T substitution at nucleotide position 2177. The alanine at codon 726 is replaced by valine, an amino acid with similar properties. This amino acid position is conserved. In addition, this alteration is predicted to be tolerated by in silico analysis. Based on the available evidence, the clinical significance of this variant remains unclear.

Labcorp Genetics (formerly Invitae), Labcorp
Classification: Uncertain significance for BAP1-related tumor predisposition syndrome. Last evaluated: 2023-10-23. Review status: criteria provided, single submitter. Criteria: Invitae Variant Classification Sherloc (09022015). Collection method: clinical testing. Allele origin: germline.
Comment: This sequence change replaces alanine, which is neutral and non-polar, with valine, which is neutral and non-polar, at codon 726 of the BAP1 protein (p.Ala726Val). This variant is not present in population databases (gnomAD no frequency). This variant has not been reported in the literature in individuals affected with BAP1-related conditions. Advanced modeling of protein sequence and biophysical properties (such as structural, functional, and spatial information, amino acid conservation, physicochemical variation, residue mobility, and thermodynamic stability) performed at Invitae indicates that this missense variant is not expected to disrupt BAP1 protein function. Algorithms developed to predict the effect of sequence changes on RNA splicing suggest that this variant may create or strengthen a splice site. In summary, the available evidence is currently insufficient to determine the role of this variant in disease. Therefore, it has been classified as a Variant of Uncertain Significance.